The following is an entry in ClinVar:

NM_021224.6(ZNF462):c.5423C>T (p.Thr1808Met)

Gene: ZNF462 (zinc finger protein 462; plus strand). Cytogenetic location: 9q31.2.
Variant type: single nucleotide variant.
Coding change: c.5423C>T on transcript NM_021224.6 (MANE Select); coding-DNA position 5423, C replaced by T.
Protein change: p.Thr1808Met; replaces threonine 1808 with methionine.
Molecular consequence: missense variant. On other transcripts: intron variant (1).
Genome position (GRCh38, 1-based): chr9:106,929,335, C>T. VCF-style: chr9-106929335-C-T. GRCh37 (hg19) VCF-style: chr9-109691616-C-T.
Other names: c.3253-1190C>T (NM_001347997.2); short protein forms T1808M.
Identifiers: ClinVar variation 3031571 (VCV003031571.2), dbSNP rs576534101, ClinGen allele CA5171998.
Genomic context (GRCh38, chr9:106,929,335, plus strand): 5'-AACGCCACCCAGGGGTGTTCCCAAAGAAGCAGCACGCCAGCAAGTTGGGGGGCTACTTCA[C>T]GGCCGTCTATGCAGATGAGCATGAGAAGCCCACACTGATGGAAGAAGAGGAGAGAGGCAA-3'
Protein context (NP_067047.4, residues 1798-1818): QHASKLGGYF[Thr1808Met]AVYADEHEKP

ClinVar aggregate classification (germline): Uncertain significance (0 of 4 stars; one submission).

Conditions:
ZNF462-related disorder. Also called: ZNF462-related condition; ZNF462 related disease.

Allele frequency attached by ClinVar (database versions not stated): ExAC 0.00001; gnomAD 0.00001; gnomAD exomes 0.00001; 1000 Genomes Project 30x 0.00016; 1000 Genomes Project 0.00020.
gnomAD v4.1: 17 of 1,614,124 alleles (0.0011%); highest among the groups gnomAD compares: South Asian, 0.0022%; no homozygotes.

Submission:

PreventionGenetics, part of Exact Sciences
Classification: Uncertain significance for ZNF462-related condition. Last evaluated: 2024-02-15. Review status: no assertion criteria provided. Collection method: clinical testing. Allele origin: germline.
Comment: The ZNF462 c.5423C>T variant is predicted to result in the amino acid substitution p.Thr1808Met. To our knowledge, this variant has not been reported in the literature. This variant is reported in 0.0033% of alleles in individuals of South Asian descent in gnomAD. At this time, the clinical significance of this variant is uncertain due to the absence of conclusive functional and genetic evidence.